The following is an entry in ClinVar:

ClinVar aggregate classification (germline): Benign/Likely benign. Review status: criteria provided, multiple submitters, no conflicts (2 of 4 stars). 7 submissions from 7 submitters: Benign (2); Likely benign (5). Last evaluated 2026-02-03.

Conditions:
Tuberous sclerosis syndrome (TSC). Also called: Tuberous Sclerosis Complex; Tuberous sclerosis. Identifiers: Orphanet 805, MedGen C0041341, MONDO:0001734.
Hereditary cancer-predisposing syndrome. Also called: Neoplastic Syndromes, Hereditary; Hereditary Cancer Syndrome; Tumor predisposition; Hereditary neoplastic syndrome. Identifiers: Orphanet 140162, MedGen C0027672, MeSH D009386, MONDO:0015356.
Tuberous sclerosis 2 (TSC2). Identifiers: Orphanet 805, MedGen C1860707, MONDO:0013199, OMIM 613254.

Allele frequency attached by ClinVar (database versions not stated): gnomAD 0.00001; TOPMed 0.00002; ExAC 0.00006.
gnomAD v4.1: 12 of 1,612,064 alleles (0.00074%); highest among the groups gnomAD compares: East Asian, 0.022%; no homozygotes.

Submissions (7):

Labcorp Genetics (formerly Invitae), Labcorp
Classification: Benign for Tuberous sclerosis 2. Last evaluated: 2026-02-03. Review status: criteria provided, single submitter. Criteria: Invitae Variant Classification Sherloc (09022015). Collection method: clinical testing. Allele origin: germline.

Myriad Genetics, Inc.
Classification: Likely benign for Tuberous sclerosis 2. Last evaluated: 2024-08-27. Review status: criteria provided, single submitter. Criteria: Myriad Autosomal Dominant, Autosomal Recessive and X-Linked Classification Criteria (2023). Collection method: clinical testing. Allele origin: unknown.
Comment: This variant is considered likely benign. This variant has been observed at a population frequency that is significantly greater than expected given the associated disease prevalence and penetrance.

All of Us Research Program, National Institutes of Health
Classification: Likely benign for Tuberous sclerosis syndrome. Last evaluated: 2023-04-03. Review status: criteria provided, single submitter. Criteria: ACMG Guidelines, 2015. Collection method: clinical testing. Allele origin: germline. Inheritance: Autosomal dominant inheritance. Observed: 2 variant alleles, 2 heterozygotes.
Comment: This study involves interpretation of variants in research participants for the purpose of population health screening. Participant phenotype was not available at the time of variant classification. Additional details can be found in publication PMID: 35346344, PMCID: PMC8962531

Genome-Nilou Lab
Classification: Benign for Tuberous sclerosis 2. Last evaluated: 2021-11-07. Review status: criteria provided, single submitter. Criteria: ACMG Guidelines, 2015. Collection method: clinical testing. Allele origin: germline. Affected: no.

Ambry Genetics
Classification: Likely benign for Hereditary cancer-predisposing syndrome. Last evaluated: 2021-02-08. Review status: criteria provided, single submitter. Criteria: Ambry Variant Classification Scheme 2023. Collection method: clinical testing. Allele origin: germline.

Illumina Laboratory Services, Illumina
Classification: Likely benign for Tuberous sclerosis syndrome. Last evaluated: 2018-01-13. Review status: criteria provided, single submitter. Criteria: ICSL Variant Classification Criteria 13 December 2019. Collection method: clinical testing. Allele origin: germline.
Comment: This variant was observed in the ICSL laboratory as part of a predisposition screen in an ostensibly healthy population. It had not been previously curated by ICSL or reported in the Human Gene Mutation Database (HGMD: prior to June 1st, 2018), and was therefore a candidate for classification through an automated scoring system. Utilizing variant allele frequency, disease prevalence and penetrance estimates, and inheritance mode, an automated score was calculated to assess if this variant is too frequent to cause the disease. Based on the score and internal cut-off values, a variant classified as likely benign is not then subjected to further curation. The score for this variant resulted in a classification of likely benign for this disease.

GeneDx
Classification: Likely benign. Last evaluated: 2016-11-15. Review status: criteria provided, single submitter. Criteria: GeneDx Variant Classification (06012015). Collection method: clinical testing. Allele origin: germline. Affected: yes.
Comment: This variant is considered likely benign or benign based on one or more of the following criteria: it is a conservative change, it occurs at a poorly conserved position in the protein, it is predicted to be benign by multiple in silico algorithms, and/or has population frequency not consistent with disease.

NM_000548.5(TSC2):c.5357C>G (p.Pro1786Arg)

Gene: TSC2 (TSC complex subunit 2; plus strand). Cytogenetic location: 16p13.3.
Variant type: single nucleotide variant.
Coding change: c.5357C>G on transcript NM_000548.5 (MANE Select); coding-DNA position 5357, C replaced by G.
Protein change: p.Pro1786Arg; replaces proline 1786 with arginine.
Molecular consequence: missense variant.
Genome position (GRCh38, 1-based): chr16:2,088,543, C>G. VCF-style: chr16-2088543-C-G. GRCh37 (hg19) VCF-style: chr16-2138544-C-G.
Other names: p.P1786R:CCT>CGT; c.5156C>G, p.Pro1719Arg (NM_001077183.3); c.5288C>G, p.Pro1763Arg (NM_001114382.3); c.5048C>G, p.Pro1683Arg (NM_001318827.2); c.5012C>G, p.Pro1671Arg (NM_001318829.2); c.4625C>G, p.Pro1542Arg (NM_001318831.2); c.5189C>G, p.Pro1730Arg (NM_001318832.2); c.5159C>G, p.Pro1720Arg (NM_001363528.2); and 3 more; short protein forms P1786R, P1542R, P1730R, P1671R, P1683R, P1719R, P1742R, P1720R.
Identifiers: ClinVar variation 207764 (VCV000207764.21), dbSNP rs770117004, ClinGen allele CA055199.
Genomic context (GRCh38, chr16:2,088,543, plus strand): 5'-CTCTGGTGCACCCTCCGTCCCATAGCAAAGCCCCTGCACAGACTCCAGCCGAGCCCACAC[C>G]TGGCTATGAGGTGGGCCAGCGGAAGCGCCTCATCTCCTCGGTGGAGGACTTCACCGAGTT-3'
Protein context (NP_000539.2, residues 1776-1796): APAQTPAEPT[Pro1786Arg]GYEVGQRKRL